The following is an entry in ClinVar:

NM_005245.4(FAT1):c.385G>C (p.Val129Leu)

Gene: FAT1 (FAT atypical cadherin 1; minus strand). Cytogenetic location: 4q35.2.
Variant type: single nucleotide variant.
Coding change: c.385G>C on transcript NM_005245.4 (MANE Select); coding-DNA position 385, G replaced by C.
Protein change: p.Val129Leu; replaces valine 129 with leucine.
Molecular consequence: missense variant.
Genome position (GRCh38, 1-based): chr4:186,709,443, C>G on the plus strand (G>C on the coding strand, the complement: FAT1 is on the minus strand). VCF-style: chr4-186709443-C-G. GRCh37 (hg19) VCF-style: chr4-187630597-C-G.
Other names: p.Val129Leu; short protein forms V129L.
Identifiers: ClinVar variation 1282122 (VCV001282122.12), dbSNP rs41278611, ClinGen allele CA3167678.

ClinVar aggregate classification (germline): Benign/Likely benign. Review status: criteria provided, multiple submitters, no conflicts (2 of 4 stars). 5 submissions from 5 submitters: Benign (4); Likely benign (1). Last evaluated 2026-02-01.

Allele frequency attached by ClinVar (database versions not stated): 1000 Genomes Project 30x 0.02311; 1000 Genomes Project 0.02416; TOPMed 0.02725; gnomAD 0.02822 and 0.02907; ESP Exome Variant Server 0.03127; ExAC 0.03378; gnomAD exomes 0.03424 and 0.03884.
gnomAD v4.1: 61,189 of 1,613,910 alleles (3.8%); highest among the groups gnomAD compares: Middle Eastern, 5.5%; 1,352 homozygotes.

Submissions (5):

Labcorp Genetics (formerly Invitae), Labcorp
Classification: Benign. Last evaluated: 2026-02-01. Review status: criteria provided, single submitter. Criteria: Invitae Variant Classification Sherloc (09022015). Collection method: clinical testing. Allele origin: germline.

Blueprint Genetics
Classification: Likely benign. Last evaluated: 2024-11-26. Review status: criteria provided, single submitter. Criteria: ACMG Guidelines, 2015. Collection method: clinical testing. Allele origin: germline.

Mayo Clinic Laboratories, Mayo Clinic
Classification: Benign. Last evaluated: 2024-09-12. Review status: criteria provided, single submitter. Criteria: ACMG Guidelines, 2015. Collection method: clinical testing. Allele origin: germline. Observed: 12 variant alleles.
Comment: BA1, BS2, BP4

GeneDx
Classification: Benign. Last evaluated: 2020-07-24. Review status: criteria provided, single submitter. Criteria: GeneDx Variant Classification Process June 2021. Collection method: clinical testing. Allele origin: germline. Affected: yes.

Breakthrough Genomics
Classification: Benign. Review status: criteria provided, single submitter. Criteria: ACMG Guidelines, 2015. Collection method: not provided. Allele origin: germline. Inheritance: Unknown mechanism. Affected: yes.

Literature cited by the submitters: PubMed 31308072 (cited by Mayo Clinic Laboratories, Mayo Clinic).